The following is an entry in ClinVar:

ClinVar aggregate classification (germline): Likely benign (0 of 4 stars; one submission).

Conditions:
DAO-related disorder. Also called: DAO-related condition.

Allele frequency attached by ClinVar (database versions not stated): ESP Exome Variant Server 0.00046.
gnomAD v4.1: 622 of 1,613,446 alleles (0.039%); highest among the groups gnomAD compares: Non-Finnish European, 0.04%; 2 homozygotes.

Submission:

PreventionGenetics, part of Exact Sciences
Classification: Likely benign for DAO-related condition. Last evaluated: 2022-04-05. Review status: no assertion criteria provided. Collection method: clinical testing. Allele origin: germline.
Comment: This variant is classified as likely benign based on ACMG/AMP sequence variant interpretation guidelines (Richards et al. 2015 PMID: 25741868, with internal and published modifications).

NM_001917.5(DAO):c.595C>T (p.Arg199Trp)

Gene: DAO (D-amino acid oxidase; plus strand). Cytogenetic location: 12q24.11.
Variant type: single nucleotide variant.
Coding change: c.595C>T on transcript NM_001917.5 (MANE Select); coding-DNA position 595, C replaced by T.
Protein change: p.Arg199Trp; replaces arginine 199 with tryptophan.
Molecular consequence: missense variant.
Genome position (GRCh38, 1-based): chr12:108,894,350, C>T. VCF-style: chr12-108894350-C-T. GRCh37 (hg19) VCF-style: chr12-109288126-C-T.
Other names: c.595C>T, p.Arg199Trp (NM_001413634.1, NM_001413635.1); short protein forms R199W.
Identifiers: ClinVar variation 3038077 (VCV003038077.2), dbSNP rs139166976, ClinGen allele CA6771154.